The following is an entry in ClinVar:

ClinVar aggregate classification (germline): Uncertain significance (1 of 4 stars; one submission).

Allele frequency attached by ClinVar (database versions not stated): ExAC 0.00001; gnomAD exomes 0.00001; TOPMed 0.00001; gnomAD 0.00002.
gnomAD v4.1: 23 of 1,612,890 alleles (0.0014%); highest among the groups gnomAD compares: South Asian, 0.0066%; no homozygotes.

Submission:

Labcorp Genetics (formerly Invitae), Labcorp
Classification: Uncertain significance. Last evaluated: 2025-08-04. Review status: criteria provided, single submitter. Criteria: Invitae Variant Classification Sherloc (09022015). Collection method: clinical testing. Allele origin: germline.
Comment: This sequence change replaces valine, which is neutral and non-polar, with methionine, which is neutral and non-polar, at codon 521 of the CLCN2 protein (p.Val521Met). This variant is present in population databases (rs753100980, gnomAD 0.01%). This variant has not been reported in the literature in individuals affected with CLCN2-related conditions. ClinVar contains an entry for this variant (Variation ID: 2144729). Invitae Evidence Modeling of protein sequence and biophysical properties (such as structural, functional, and spatial information, amino acid conservation, physicochemical variation, residue mobility, and thermodynamic stability) indicates that this missense variant is not expected to disrupt CLCN2 protein function with a negative predictive value of 80%. In summary, the available evidence is currently insufficient to determine the role of this variant in disease. Therefore, it has been classified as a Variant of Uncertain Significance.

NM_004366.6(CLCN2):c.1561G>A (p.Val521Met)

Gene: CLCN2 (chloride voltage-gated channel 2; minus strand). Cytogenetic location: 3q27.1.
Variant type: single nucleotide variant.
Coding change: c.1561G>A on transcript NM_004366.6 (MANE Select); coding-DNA position 1561, G replaced by A.
Protein change: p.Val521Met; replaces valine 521 with methionine.
Molecular consequence: missense variant.
Genome position (GRCh38, 1-based): chr3:184,354,261, C>T on the plus strand (G>A on the coding strand, the complement: CLCN2 is on the minus strand). VCF-style: chr3-184354261-C-T. GRCh37 (hg19) VCF-style: chr3-184072049-C-T.
Other names: c.1510G>A, p.Val504Met (NM_001171087.3); c.1429G>A, p.Val477Met (NM_001171088.3); c.1561G>A, p.Val521Met (NM_001171089.3); short protein forms V477M, V504M, V521M.
Identifiers: ClinVar variation 2144729 (VCV002144729.4), dbSNP rs753100980, ClinGen allele CA2734041.